The following is an entry in ClinVar:

ClinVar aggregate classification (germline): Uncertain significance (0 of 4 stars; one submission).

Conditions:
AMER1-related disorder. Also called: AMER1-related condition.

Submission:

PreventionGenetics, part of Exact Sciences
Classification: Uncertain significance for AMER1-related condition. Last evaluated: 2024-01-24. Review status: no assertion criteria provided. Collection method: clinical testing. Allele origin: germline.
Comment: The AMER1 c.2567G>A variant is predicted to result in the amino acid substitution p.Ser856Asn. To our knowledge, this variant has not been reported in the literature or in a large population database, indicating this variant is rare. At this time, the clinical significance of this variant is uncertain due to the absence of conclusive functional and genetic evidence.

NM_152424.4(AMER1):c.2567G>A (p.Ser856Asn)

Gene: AMER1 (APC membrane recruitment protein 1; minus strand). Cytogenetic location: Xq11.2.
Variant type: single nucleotide variant.
Coding change: c.2567G>A on transcript NM_152424.4 (MANE Select); coding-DNA position 2567, G replaced by A.
Protein change: p.Ser856Asn; replaces serine 856 with asparagine.
Molecular consequence: missense variant.
Genome position (GRCh38, 1-based): chrX:64,190,720, C>T on the plus strand (G>A on the coding strand, the complement: AMER1 is on the minus strand). VCF-style: chrX-64190720-C-T. GRCh37 (hg19) VCF-style: chrX-63410600-C-T.
Other names: short protein forms S856N.
Identifiers: ClinVar variation 3050811 (VCV003050811.2), dbSNP rs1314447711, ClinGen allele CA413302710.